The following is an entry in ClinVar:

ClinVar aggregate classification (germline): Uncertain significance (1 of 4 stars; one submission).

Allele frequency attached by ClinVar (database versions not stated): ExAC 0.00001.
gnomAD v4.1: 2 of 1,614,210 alleles (0.00012%); highest among the groups gnomAD compares: East Asian, 0.0022%; no homozygotes.

Submission:

Labcorp Genetics (formerly Invitae), Labcorp
Classification: Uncertain significance. Last evaluated: 2022-06-14. Review status: criteria provided, single submitter. Criteria: Invitae Variant Classification Sherloc (09022015). Collection method: clinical testing. Allele origin: germline.
Comment: This sequence change replaces glutamine, which is neutral and polar, with arginine, which is basic and polar, at codon 452 of the XPR1 protein (p.Gln452Arg). This variant is present in population databases (rs769349977, gnomAD 0.006%). This variant has not been reported in the literature in individuals affected with XPR1-related conditions. Algorithms developed to predict the effect of missense changes on protein structure and function (SIFT, PolyPhen-2, Align-GVGD) all suggest that this variant is likely to be tolerated. In summary, the available evidence is currently insufficient to determine the role of this variant in disease. Therefore, it has been classified as a Variant of Uncertain Significance.

NM_004736.4(XPR1):c.1355A>G (p.Gln452Arg)

Gene: XPR1 (xenotropic and polytropic retrovirus receptor 1; plus strand). Cytogenetic location: 1q25.3.
Variant type: single nucleotide variant.
Coding change: c.1355A>G on transcript NM_004736.4 (MANE Select); coding-DNA position 1355, A replaced by G.
Protein change: p.Gln452Arg; replaces glutamine 452 with arginine.
Molecular consequence: missense variant. On other transcripts: intron variant (1).
Genome position (GRCh38, 1-based): chr1:180,836,570, A>G. VCF-style: chr1-180836570-A-G. GRCh37 (hg19) VCF-style: chr1-180805706-A-G.
Other names: c.1355A>G, p.Gln452Arg (NM_001328662.2); c.1306+1525A>G (NM_001135669.2); short protein forms Q452R.
Identifiers: ClinVar variation 2006022 (VCV002006022.4), dbSNP rs769349977, ClinGen allele CA1272761.